The following is an entry in ClinVar:

NM_018127.7(ELAC2):c.1237A>T (p.Ser413Cys)

Gene: ELAC2 (elaC ribonuclease Z 2; minus strand). Cytogenetic location: 17p12.
Variant type: single nucleotide variant.
Coding change: c.1237A>T on transcript NM_018127.7 (MANE Select); coding-DNA position 1237, A replaced by T.
Protein change: p.Ser413Cys; replaces serine 413 with cysteine.
Molecular consequence: missense variant.
Genome position (GRCh38, 1-based): chr17:13,002,341, T>A on the plus strand (A>T on the coding strand, the complement: ELAC2 is on the minus strand). VCF-style: chr17-13002341-T-A. GRCh37 (hg19) VCF-style: chr17-12905658-T-A.
Other names: c.1117A>T, p.Ser373Cys (NM_001165962.2); c.1234A>T, p.Ser412Cys (NM_173717.2); short protein forms S413C, S373C, S412C.
Identifiers: ClinVar variation 1347383 (VCV001347383.5), dbSNP rs754722229, ClinGen allele CA398225239.

ClinVar aggregate classification (germline): Uncertain significance (1 of 4 stars; one submission).

Conditions:
Combined oxidative phosphorylation defect type 17. Also called: Combined oxidative phosphorylation deficiency 17. Identifiers: Orphanet 369913, MedGen C3809526, MONDO:0014190, OMIM 615440.

Submission:

Labcorp Genetics (formerly Invitae), Labcorp
Classification: Uncertain significance for Combined oxidative phosphorylation defect type 17. Last evaluated: 2022-09-06. Review status: criteria provided, single submitter. Criteria: Invitae Variant Classification Sherloc (09022015). Collection method: clinical testing. Allele origin: germline.
Comment: This sequence change replaces serine, which is neutral and polar, with cysteine, which is neutral and slightly polar, at codon 413 of the ELAC2 protein (p.Ser413Cys). This variant is not present in population databases (gnomAD no frequency). This variant has not been reported in the literature in individuals affected with ELAC2-related conditions. ClinVar contains an entry for this variant (Variation ID: 1347383). Algorithms developed to predict the effect of missense changes on protein structure and function output the following: SIFT: "Tolerated"; PolyPhen-2: "Benign"; Align-GVGD: "Class C0". The cysteine amino acid residue is found in multiple mammalian species, which suggests that this missense change does not adversely affect protein function. In summary, the available evidence is currently insufficient to determine the role of this variant in disease. Therefore, it has been classified as a Variant of Uncertain Significance.